The following is an entry in ClinVar:

NM_001113378.2(FANCI):c.2936G>T (p.Ser979Ile)

Gene: FANCI (FA complementation group I; plus strand). Cytogenetic location: 15q26.1.
Variant type: single nucleotide variant.
Coding change: c.2936G>T on transcript NM_001113378.2 (MANE Select); coding-DNA position 2936, G replaced by T.
Protein change: p.Ser979Ile; replaces serine 979 with isoleucine.
Molecular consequence: missense variant.
Genome position (GRCh38, 1-based): chr15:89,301,372, G>T. VCF-style: chr15-89301372-G-T. GRCh37 (hg19) VCF-style: chr15-89844603-G-T.
Other names: c.2657G>T, p.Ser886Ile (NM_001376910.1); c.2936G>T, p.Ser979Ile (NM_001376911.1); c.2756G>T, p.Ser919Ile (NM_018193.3); short protein forms S979I, S919I, S886I.
Identifiers: ClinVar variation 408250 (VCV000408250.4), dbSNP rs769453869, ClinGen allele CA16614750.

ClinVar aggregate classification (germline): Uncertain significance (1 of 4 stars; one submission).

Conditions:
Fanconi anemia (FA). Also called: Fanconi's anemia. Identifiers: Orphanet 84, MedGen C0015625, MeSH D005199, MONDO:0019391.

Allele frequency attached by ClinVar (database versions not stated): TOPMed 0.00002; gnomAD 0.00003.
gnomAD v4.1: 41 of 1,613,954 alleles (0.0025%); highest among the groups gnomAD compares: Non-Finnish European, 0.0032%; no homozygotes.

Submission:

Labcorp Genetics (formerly Invitae), Labcorp
Classification: Uncertain significance for Fanconi anemia. Last evaluated: 2022-08-23. Review status: criteria provided, single submitter. Criteria: Invitae Variant Classification Sherloc (09022015). Collection method: clinical testing. Allele origin: germline.
Comment: This sequence change replaces serine, which is neutral and polar, with isoleucine, which is neutral and non-polar, at codon 979 of the FANCI protein (p.Ser979Ile). This variant is present in population databases (no rsID available, gnomAD 0.002%). This variant has not been reported in the literature in individuals affected with FANCI-related conditions. ClinVar contains an entry for this variant (Variation ID: 408250). Algorithms developed to predict the effect of missense changes on protein structure and function are either unavailable or do not agree on the potential impact of this missense change (SIFT: "Deleterious"; PolyPhen-2: "Possibly Damaging"; Align-GVGD: "Class C0"). In summary, the available evidence is currently insufficient to determine the role of this variant in disease. Therefore, it has been classified as a Variant of Uncertain Significance.